The following is an entry in ClinVar:

ClinVar aggregate classification (germline): Conflicting classifications of pathogenicity. Review status: criteria provided, conflicting classifications (1 of 4 stars). 2 submissions from 2 submitters: Uncertain significance (1); Likely benign (1). Last evaluated 2025-08-20.

Allele frequency attached by ClinVar (database versions not stated): gnomAD 0.00027 and 0.00031; TOPMed 0.00028; ExAC 0.00009; 1000 Genomes Project 30x 0.00016; 1000 Genomes Project 0.00020; ESP Exome Variant Server 0.00023; gnomAD exomes 0.00003 and 0.00006.
gnomAD v4.1: 82 of 1,614,022 alleles (0.0051%); highest among the groups gnomAD compares: African/African-American, 0.11%; no homozygotes.

Submissions (2):

Labcorp Genetics (formerly Invitae), Labcorp
Classification: Likely benign. Last evaluated: 2025-08-20. Review status: criteria provided, single submitter. Criteria: Invitae Variant Classification Sherloc (09022015). Collection method: clinical testing. Allele origin: germline.

Genetic Services Laboratory, University of Chicago
Classification: Uncertain significance. Last evaluated: 2020-06-05. Review status: criteria provided, single submitter. Criteria: ACMG Guidelines, 2015. Collection method: clinical testing. Allele origin: germline. Affected: no.
Comment: DNA sequence analysis of the WDR62 gene demonstrated a sequence change in intron 18, c.2211-8C>T. This change does not appear to have been previously described in patients with WDR62-related disorders and has been described in the gnomAD with a low population frequency of 0.0064% in the African subpopulation (dbSNP rs369077520). This sequence change is not clearly predicted to have a deleterious effect on splicing based on in silico splice prediction programs. It is possible that this sequence change represents a benign sequence change in the WDR62 gene that has not been identified to date. The functional significance of this sequence change is not known at present and its contribution to this patient's disease phenotype cannot definitively be determined.

NM_001083961.2(WDR62):c.2211-8C>T

Gene: WDR62 (WD repeat domain 62; plus strand). Cytogenetic location: 19q13.12.
Variant type: single nucleotide variant.
Coding change: c.2211-8C>T on transcript NM_001083961.2 (MANE Select); 8 bases into the intron before coding-DNA position 2211, C replaced by T.
Molecular consequence: intron variant.
Genome position (GRCh38, 1-based): chr19:36,092,681, C>T. VCF-style: chr19-36092681-C-T. GRCh37 (hg19) VCF-style: chr19-36583583-C-T.
Other names: c.2211-8C>T (NM_173636.5).
Identifiers: ClinVar variation 1337660 (VCV001337660.11), dbSNP rs369077520, ClinGen allele CA9395876.